The following is an entry in ClinVar:

ClinVar aggregate classification (germline): Uncertain significance. Review status: criteria provided, multiple submitters, no conflicts (2 of 4 stars). 2 submissions from 2 submitters: Uncertain significance (2). Last evaluated 2023-12-05.

Conditions:
Hereditary cancer-predisposing syndrome. Also called: Neoplastic Syndromes, Hereditary; Tumor predisposition; Hereditary neoplastic syndrome; Hereditary Cancer Syndrome. Identifiers: Orphanet 140162, MedGen C0027672, MeSH D009386, MONDO:0015356.

Submissions (2):

Color Diagnostics, LLC DBA Color Health
Classification: Uncertain significance for Hereditary cancer-predisposing syndrome. Last evaluated: 2023-12-05. Review status: criteria provided, single submitter. Criteria: ACMG Guidelines, 2015. Collection method: clinical testing. Allele origin: germline.
Comment: This missense variant replaces serine with alanine at codon 46 of the RAD51D protein. Computational prediction suggests that this variant may not impact protein structure and function (internally defined REVEL score threshold <= 0.5, PMID: 27666373). To our knowledge, functional studies have not been reported for this variant. This variant has not been reported in individuals affected with RAD51D-related disorders in the literature. This variant has not been identified in the general population by the Genome Aggregation Database (gnomAD). The available evidence is insufficient to determine the role of this variant in disease conclusively. Therefore, this variant is classified as a Variant of Uncertain Significance.

Ambry Genetics
Classification: Uncertain significance for Hereditary cancer-predisposing syndrome. Last evaluated: 2022-12-09. Review status: criteria provided, single submitter. Criteria: Ambry Variant Classification Scheme 2023. Collection method: clinical testing. Allele origin: germline.
Comment: The p.S46A variant (also known as c.136T>G), located in coding exon 2 of the RAD51D gene, results from a T to G substitution at nucleotide position 136. The serine at codon 46 is replaced by alanine, an amino acid with similar properties. This amino acid position is conserved. In addition, the in silico prediction for this alteration is inconclusive. Since supporting evidence is limited at this time, the clinical significance of this alteration remains unclear.

NM_002878.4(RAD51D):c.136T>G (p.Ser46Ala)

Genes: RAD51L3-RFFL (RAD51L3-RFFL readthrough; minus strand), RAD51D (RAD51 paralog D; minus strand). Cytogenetic location: 17q12.
Variant type: single nucleotide variant.
Coding change: c.136T>G on transcript NM_002878.4 (MANE Select); coding-DNA position 136, T replaced by G.
Protein change: p.Ser46Ala; replaces serine 46 with alanine.
Molecular consequence: missense variant. On other transcripts: non-coding transcript variant (2).
Genome position (GRCh38, 1-based): chr17:35,119,119, A>C on the plus strand (T>G on the coding strand, the complement: RAD51D is on the minus strand). VCF-style: chr17-35119119-A-C. GRCh37 (hg19) VCF-style: chr17-33446138-A-C.
Other names: c.136T>G, p.Ser46Ala (NM_001142571.2, NM_133629.3); short protein forms S46A.
Identifiers: ClinVar variation 628784 (VCV000628784.7), dbSNP rs980673532, ClinGen allele CA399091776.